The following is an entry in ClinVar:

NM_006431.3(CCT2):c.844A>G (p.Ile282Val)

Gene: CCT2 (chaperonin containing TCP1 subunit 2; plus strand). Cytogenetic location: 12q15.
Variant type: single nucleotide variant.
Coding change: c.844A>G on transcript NM_006431.3 (MANE Select); coding-DNA position 844, A replaced by G.
Protein change: p.Ile282Val; replaces isoleucine 282 with valine.
Molecular consequence: missense variant.
Genome position (GRCh38, 1-based): chr12:69,593,069, A>G. VCF-style: chr12-69593069-A-G. GRCh37 (hg19) VCF-style: chr12-69986849-A-G.
Other names: c.844A>G (NM_006431.2); c.703A>G, p.Ile235Val (NM_001198842.2); short protein forms I235V, I282V.
Identifiers: ClinVar variation 1465531 (VCV001465531.9), dbSNP rs766774842, ClinGen allele CA6680701.

ClinVar aggregate classification (germline): Uncertain significance. Review status: criteria provided, multiple submitters, no conflicts (2 of 4 stars). 2 submissions from 2 submitters: Uncertain significance (2). Last evaluated 2025-02-07.

Allele frequency attached by ClinVar (database versions not stated): ExAC 0.00001; gnomAD exomes 0.00001 and 0.00002; TOPMed 0.00002; gnomAD 0.00003.
gnomAD v4.1: 38 of 1,613,546 alleles (0.0024%); highest among the groups gnomAD compares: Non-Finnish European, 0.0031%; no homozygotes.

Submissions (2):

Ambry Genetics
Classification: Uncertain significance. Last evaluated: 2025-02-07. Review status: criteria provided, single submitter. Criteria: Ambry Variant Classification Scheme 2023. Collection method: clinical testing. Allele origin: germline.

Labcorp Genetics (formerly Invitae), Labcorp
Classification: Uncertain significance. Last evaluated: 2023-12-01. Review status: criteria provided, single submitter. Criteria: Invitae Variant Classification Sherloc (09022015). Collection method: clinical testing. Allele origin: germline.
Comment: This sequence change replaces isoleucine, which is neutral and non-polar, with valine, which is neutral and non-polar, at codon 282 of the CCT2 protein (p.Ile282Val). This variant is present in population databases (rs766774842, gnomAD 0.002%). This variant has not been reported in the literature in individuals affected with CCT2-related conditions. ClinVar contains an entry for this variant (Variation ID: 1465531). An algorithm developed to predict the effect of missense changes on protein structure and function (PolyPhen-2) suggests that this variant is likely to be disruptive. In summary, the available evidence is currently insufficient to determine the role of this variant in disease. Therefore, it has been classified as a Variant of Uncertain Significance.